The following is an entry in ClinVar:

ClinVar aggregate classification (germline): Benign/Likely benign. Review status: criteria provided, multiple submitters, no conflicts (2 of 4 stars). 4 submissions from 4 submitters: Benign (2); Likely benign (2). Last evaluated 2024-07-24.

Allele frequency attached by ClinVar (database versions not stated): gnomAD 0.00845; gnomAD exomes 0.00215; ExAC 0.00261; 1000 Genomes Project 0.00899; ESP Exome Variant Server 0.00931; 1000 Genomes Project 30x 0.00999; TOPMed 0.00868.
gnomAD v4.1: 2,448 of 1,609,330 alleles (0.15%); highest among the groups gnomAD compares: African/African-American, 2.8%; 31 homozygotes.

Submissions (4):

Mayo Clinic Laboratories, Mayo Clinic
Classification: Benign. Last evaluated: 2024-07-24. Review status: criteria provided, single submitter. Criteria: ACMG Guidelines, 2015. Collection method: clinical testing. Allele origin: germline. Observed: 2 variant alleles.
Comment: BA1, BS2, BP4, BP7

Labcorp Genetics (formerly Invitae), Labcorp
Classification: Benign. Last evaluated: 2019-12-31. Review status: criteria provided, single submitter. Criteria: Invitae Variant Classification Sherloc (09022015). Collection method: clinical testing. Allele origin: germline.

Center for Pediatric Genomic Medicine, Children's Mercy Hospital and Clinics
Classification: Likely benign. Last evaluated: 2017-01-12. Review status: criteria provided, single submitter. Criteria: ACMG Guidelines, 2015. Collection method: clinical testing. Allele origin: germline.
ClinVar note: Converted during submission from Likely Benign to Likely benign.

Breakthrough Genomics
Classification: Likely benign. Review status: criteria provided, single submitter. Criteria: ACMG Guidelines, 2015. Collection method: not provided. Allele origin: germline. Inheritance: Autosomal recessive inheritance. Affected: yes.

NM_001163809.2(WDR81):c.5325+6G>C

Gene: WDR81 (WD repeat domain 81; plus strand). Cytogenetic location: 17p13.3.
Variant type: single nucleotide variant.
Coding change: c.5325+6G>C on transcript NM_001163809.2 (MANE Select); 6 bases into the intron after coding-DNA position 5325, G replaced by C.
Molecular consequence: intron variant.
Genome position (GRCh38, 1-based): chr17:1,735,723, G>C. VCF-style: chr17-1735723-G-C. GRCh37 (hg19) VCF-style: chr17-1639017-G-C.
Other names: p.?; c.2172+6G>C (NM_152348.4); c.1716+6G>C (NM_001163673.2); c.1644+6G>C (NM_001163811.2).
Identifiers: ClinVar variation 377010 (VCV000377010.9), dbSNP rs115714169, ClinGen allele CA8273827.